The following is an entry in ClinVar:

NM_000428.3(LTBP2):c.484C>T (p.Arg162Trp)

Gene: LTBP2 (latent transforming growth factor beta binding protein 2; minus strand). Cytogenetic location: 14q24.3.
Variant type: single nucleotide variant.
Coding change: c.484C>T on transcript NM_000428.3 (MANE Select); coding-DNA position 484, C replaced by T.
Protein change: p.Arg162Trp; replaces arginine 162 with tryptophan.
Molecular consequence: missense variant.
Genome position (GRCh38, 1-based): chr14:74,611,461, G>A on the plus strand (C>T on the coding strand, the complement: LTBP2 is on the minus strand). VCF-style: chr14-74611461-G-A. GRCh37 (hg19) VCF-style: chr14-75078164-G-A.
Other names: short protein forms R162W.
Identifiers: ClinVar variation 1922152 (VCV001922152.3), dbSNP rs2503025190, ClinGen allele CA390387380.

ClinVar aggregate classification (germline): Uncertain significance (1 of 4 stars; one submission).

Allele frequency attached by ClinVar (database versions not stated): gnomAD exomes below 0.00001.
gnomAD v4.1: 1 of 1,490,458 alleles (0.000067%); highest among the groups gnomAD compares: Non-Finnish European, 0.000088%; no homozygotes.

Submission:

Labcorp Genetics (formerly Invitae), Labcorp
Classification: Uncertain significance. Last evaluated: 2022-09-05. Review status: criteria provided, single submitter. Criteria: Invitae Variant Classification Sherloc (09022015). Collection method: clinical testing. Allele origin: germline.
Comment: Algorithms developed to predict the effect of missense changes on protein structure and function (SIFT, PolyPhen-2, Align-GVGD) all suggest that this variant is likely to be disruptive. In summary, the available evidence is currently insufficient to determine the role of this variant in disease. Therefore, it has been classified as a Variant of Uncertain Significance. This variant has not been reported in the literature in individuals affected with LTBP2-related conditions. This variant is not present in population databases (gnomAD no frequency). This sequence change replaces arginine, which is basic and polar, with tryptophan, which is neutral and slightly polar, at codon 162 of the LTBP2 protein (p.Arg162Trp).